The following is an entry in ClinVar:

ClinVar aggregate classification (germline): Uncertain significance. Review status: criteria provided, multiple submitters, no conflicts (2 of 4 stars). 2 submissions from 2 submitters: Uncertain significance (2). Last evaluated 2026-09-24.

Conditions:
PPP1R3F-related condition.

Allele frequency attached by ClinVar (database versions not stated): gnomAD exomes below 0.00001; gnomAD 0.00002; TOPMed 0.00005; 1000 Genomes Project 30x 0.00021.

Submissions (2):

PreventionGenetics, part of Exact Sciences
Classification: Uncertain significance for PPP1R3F-related condition. Last evaluated: 2026-09-24. Review status: criteria provided, single submitter. Criteria: ACMG Guidelines, 2015. Collection method: clinical testing. Allele origin: germline.
Comment: The PPP1R3F c.646C>G variant is predicted to result in the amino acid substitution p.Pro216Ala. To our knowledge, this variant has not been reported in the literature or in a large population database (gnomAD), indicating this variant is rare. At this time, the clinical significance of this variant is uncertain due to the absence of conclusive functional and genetic evidence.

Ambry Genetics
Classification: Uncertain significance. Last evaluated: 2025-06-18. Review status: criteria provided, single submitter. Criteria: Ambry Variant Classification Scheme 2023. Collection method: clinical testing. Allele origin: germline.

NM_033215.5(PPP1R3F):c.646C>G (p.Pro216Ala)

Gene: PPP1R3F (protein phosphatase 1 regulatory subunit 3F; plus strand). Cytogenetic location: Xp11.23.
Variant type: single nucleotide variant.
Coding change: c.646C>G on transcript NM_033215.5 (MANE Select); coding-DNA position 646, C replaced by G.
Protein change: p.Pro216Ala; replaces proline 216 with alanine.
Molecular consequence: missense variant. On other transcripts: intron variant (1).
Genome position (GRCh38, 1-based): chrX:49,270,515, C>G. VCF-style: chrX-49270515-C-G. GRCh37 (hg19) VCF-style: chrX-49126978-C-G.
Other names: c.-32+582C>G (NM_001184745.2); short protein forms P216A.
Identifiers: ClinVar variation 2549829 (VCV002549829.4), dbSNP rs2066169284, ClinGen allele CA412957011.